The following is an entry in ClinVar:

NM_005902.4(SMAD3):c.1222G>A (p.Asp408Asn)

Gene: SMAD3 (SMAD family member 3; plus strand). Cytogenetic location: 15q22.33.
Variant type: single nucleotide variant.
Coding change: c.1222G>A on transcript NM_005902.4 (MANE Select); coding-DNA position 1222, G replaced by A.
Protein change: p.Asp408Asn; replaces aspartic acid 408 with asparagine.
Molecular consequence: missense variant.
Genome position (GRCh38, 1-based): chr15:67,190,480, G>A. VCF-style: chr15-67190480-G-A. GRCh37 (hg19) VCF-style: chr15-67482818-G-A.
Other names: c.907G>A, p.Asp303Asn (NM_001145102.2, NM_001407016.1); c.1090G>A, p.Asp364Asn (NM_001145103.2, NM_001407012.1); c.637G>A, p.Asp213Asn (NM_001145104.2, NM_001407017.1); c.1333G>A, p.Asp445Asn (NM_001407011.1); c.1084G>A, p.Asp362Asn (NM_001407013.1); c.1075G>A, p.Asp359Asn (NM_001407014.1); c.775G>A, p.Asp259Asn (NM_001407015.1); short protein forms D213N, D259N, D303N, D359N, D362N, D364N, D408N, D445N.
Identifiers: ClinVar variation 3363736 (VCV003363736.1).

ClinVar aggregate classification (germline): Uncertain significance (1 of 4 stars; one submission).

Submission:

GeneDx
Classification: Uncertain significance. Last evaluated: 2023-11-02. Review status: criteria provided, single submitter. Criteria: GeneDx Variant Classification Process June 2021. Collection method: clinical testing. Allele origin: germline. Affected: yes.
Comment: Has not been previously published as pathogenic or benign to our knowledge; Not observed at significant frequency in large population cohorts (gnomAD); In silico analysis supports that this missense variant has a deleterious effect on protein structure/function